The following is an entry in ClinVar:

NM_000320.3(QDPR):c.1A>T (p.Met1Leu)

Genes: QDPR (quinoid dihydropteridine reductase; minus strand), LOC129992304 (ATAC-STARR-seq lymphoblastoid silent region 15310; plus strand). Cytogenetic location: 4p15.32.
Variant type: single nucleotide variant.
Coding change: c.1A>T on transcript NM_000320.3 (MANE Select); coding-DNA position 1, A replaced by T.
Protein change: p.Met1Leu; changes the start codon (methionine 1).
Molecular consequence: missense variant, initiator codon variant. On other transcripts: non-coding transcript variant (1).
Genome position (GRCh38, 1-based): chr4:17,512,054, T>A on the plus strand (A>T on the coding strand, the complement: QDPR is on the minus strand). VCF-style: chr4-17512054-T-A. GRCh37 (hg19) VCF-style: chr4-17513677-T-A.
Other names: c.1A>T, p.Met1Leu (NM_001306140.2); short protein forms M1L.
Identifiers: ClinVar variation 503646 (VCV000503646.13), dbSNP rs1034528249, ClinGen allele CA92608394.

ClinVar aggregate classification (germline): Pathogenic/Likely pathogenic. Review status: criteria provided, multiple submitters, no conflicts (2 of 4 stars). 3 submissions from 3 submitters: Pathogenic (2); Likely pathogenic (1). Last evaluated 2025-12-21.

Conditions:
Dihydropteridine reductase deficiency (HPABH4C). Also called: BH4-Deficient Hyperphenylalaninemia C; Phenylketonuria II; DHPR DEFICIENCY; HYPERPHENYLALANINEMIA, TETRAHYDROBIOPTERIN-DEFICIENT, DUE TO DHPR DEFICIENCY; QDPR DEFICIENCY; QUINOID DIHYDROPTERIDINE REDUCTASE DEFICIENCY. Identifiers: Orphanet 226, Orphanet 238583, MedGen C0268465, MONDO:0009862, OMIM 261630.

Allele frequency attached by ClinVar (database versions not stated): gnomAD 0.00002 and 0.00003; TOPMed 0.00005.

Submissions (3):

Labcorp Genetics (formerly Invitae), Labcorp
Classification: Pathogenic for Dihydropteridine reductase deficiency. Last evaluated: 2025-12-21. Review status: criteria provided, single submitter. Criteria: Invitae Variant Classification Sherloc (09022015). Collection method: clinical testing. Allele origin: germline.
Comment: This sequence change affects the initiator codon of the QDPR mRNA. This change may impact translation initiation or efficiency. The next in-frame methionine is located at codon 56. This variant is present in population databases (no rsID available, gnomAD 0.002%). This variant has not been reported in the literature in individuals affected with QDPR-related conditions. ClinVar contains an entry for this variant (Variation ID: 503646). This variant disrupts a region of the QDPR protein in which other variant(s) (p.Gly17Arg) have been determined to be pathogenic (PMID: 10408783, 11153907, 27246466). This suggests that this is a clinically significant region of the protein, and that variants that disrupt it are likely to be disease-causing. For these reasons, this variant has been classified as Pathogenic.

GeneDx
Classification: Pathogenic. Last evaluated: 2023-08-24. Review status: criteria provided, single submitter. Criteria: GeneDx Variant Classification Process June 2021. Collection method: clinical testing. Allele origin: germline. Affected: yes.
Comment: Initiation codon variant in a gene for which loss of function is a known mechanism of disease; Not observed at significant frequency in large population cohorts (gnomAD); This variant is associated with the following publications: (PMID: 25155776, 33903016)

Women's Health and Genetics/Laboratory Corporation of America, LabCorp
Classification: Likely pathogenic for Dihydropteridine reductase deficiency. Last evaluated: 2022-08-18. Review status: criteria provided, single submitter. Criteria: LabCorp Variant Classification Summary - May 2015. Collection method: clinical testing. Allele origin: germline.
Comment: Variant summary: QDPR c.1A>T (p.Met1?, aka p.Met1Leu) alters the initiation codon and is predicted to result either in absence of the protein or truncation of the encoded protein due to translation initiation at a downstream codon. The first in-frame start codon (ATG) is located at Met56, and several truncations upstream from this position have been reported in affected individuals (HGMD). The variant allele was found at a frequency of 4.7e-06 in 212970 control chromosomes (gnomAD). The available data on variant occurrences in the general population are insufficient to allow any conclusion about variant significance. The variant, c.1A>T, has been reported in the literature in a carrier (i.e. in heterozygous state), who presented at newborn-screening with dihydropteridine reductase (DHPR) deficiency, which later started to normalize on follow-up examinations (Hecht_2014). To our knowledge, no experimental evidence demonstrating an impact on protein function has been reported. Two clinical diagnostic laboratories have submitted clinical-significance assessments for this variant to ClinVar after 2014, and classified the variant as pathogenic/likely pathogenic. Based on the evidence outlined above, the variant was classified as likely pathogenic.

Literature cited by the submitters: PubMed 10408783 (cited by Labcorp Genetics (formerly Invitae), Labcorp); PubMed 11153907 (cited by Labcorp Genetics (formerly Invitae), Labcorp); PubMed 27246466 (cited by Labcorp Genetics (formerly Invitae), Labcorp); PubMed 25155776 (cited by Women's Health and Genetics/Laboratory Corporation of America, LabCorp); PubMed 33903016 (cited by Women's Health and Genetics/Laboratory Corporation of America, LabCorp).